The following is an entry in ClinVar:

NM_000558.5(HBA1):c.131del (p.Phe44fs)

Genes: HBA1 (hemoglobin subunit alpha 1; plus strand), LOC106804613 (hemoglobin subunit alpha 1 recombination region; plus strand). Cytogenetic location: 16p13.3.
Variant type: Deletion.
Coding change: c.131del on transcript NM_000558.5 (MANE Select); coding-DNA position 131, one base deleted (T; older notation c.131delT).
Protein change: p.Phe44fs; shifts the reading frame from phenylalanine 44.
Molecular consequence: frameshift variant.
Genome position (GRCh38, 1-based): chr16:176,964, T deleted; the last of 2 consecutive T bases (chr16:176,963-176,964); deleting either gives the same sequence. VCF-style (leftmost placement, unchanged base first): chr16-176962-CT-C. GRCh37 (hg19) VCF-style: chr16-226961-CT-C.
Other names: short protein forms F44fs.
Identifiers: ClinVar variation 4814370 (VCV004814370.1).

ClinVar aggregate classification (germline): Likely pathogenic (1 of 4 stars; one submission).

Conditions:
alpha Thalassemia. Also called: Alpha thalassemia spectrum. Identifiers: Orphanet 846, MedGen C0002312, MONDO:0011399, OMIM 604131.

Submission:

Natera, Inc.
Classification: Likely pathogenic for Alpha thalassemia. Last evaluated: 2024-10-28. Review status: criteria provided, single submitter. Criteria: Natera Variant Classification Schema (03/2026). Collection method: clinical testing. Allele origin: germline.
Comment: The c.131delT variant in HBA1 is a frameshift variant predicted to shift the reading frame beginning at codon 44 and leads to a stop codon 6 codons downstream. This variant is expected to result in nonsense mediated decay, truncation, or a dysfunctional protein product. This variant is rare in the general population with a frequency below the threshold expected for the associated phenotype(s). Given the available evidence, this variant is classified as Likely Pathogenic.